The following is an entry in ClinVar:

ClinVar aggregate classification (germline): Uncertain significance. Review status: criteria provided, multiple submitters, no conflicts (2 of 4 stars). 3 submissions from 3 submitters: Uncertain significance (3). Last evaluated 2023-12-12.

Conditions:
Hereditary cancer-predisposing syndrome. Also called: Neoplastic Syndromes, Hereditary; Hereditary neoplastic syndrome; Hereditary Cancer Syndrome; Tumor predisposition. Identifiers: Orphanet 140162, MedGen C0027672, MeSH D009386, MONDO:0015356.
Familial cancer of breast. Also called: BREAST CANCER, FAMILIAL; hereditary breast carcinoma; Hereditary breast cancer. Identifiers: Orphanet 227535, MedGen C0346153, MONDO:0016419, OMIM 114480. Disease mechanism: loss of function.

Submissions (3):

Ambry Genetics
Classification: Uncertain significance for Hereditary cancer-predisposing syndrome. Last evaluated: 2023-12-12. Review status: criteria provided, single submitter. Criteria: Ambry Variant Classification Scheme 2023. Collection method: clinical testing. Allele origin: germline.

Labcorp Genetics (formerly Invitae), Labcorp
Classification: Uncertain significance for Familial cancer of breast. Last evaluated: 2022-07-29. Review status: criteria provided, single submitter. Criteria: Invitae Variant Classification Sherloc (09022015). Collection method: clinical testing. Allele origin: germline.
Comment: This sequence change replaces proline, which is neutral and non-polar, with leucine, which is neutral and non-polar, at codon 152 of the CHEK2 protein (p.Pro152Leu). This variant is not present in population databases (gnomAD no frequency). This variant has not been reported in the literature in individuals affected with CHEK2-related conditions. ClinVar contains an entry for this variant (Variation ID: 449881). Algorithms developed to predict the effect of missense changes on protein structure and function are either unavailable or do not agree on the potential impact of this missense change (SIFT: "Tolerated"; PolyPhen-2: "Possibly Damaging"; Align-GVGD: "Class C0"). In summary, the available evidence is currently insufficient to determine the role of this variant in disease. Therefore, it has been classified as a Variant of Uncertain Significance.

GeneDx
Classification: Uncertain significance. Last evaluated: 2017-03-16. Review status: criteria provided, single submitter. Criteria: GeneDx Variant Classification (06012015). Collection method: clinical testing. Allele origin: germline. Affected: yes.
Comment: This apparently mosaic variant is denoted CHEK2 c.455C>T at the cDNA level, p.Pro152Leu (P152L) at the protein level, and results in the change of a Proline to a Leucine (CCT>CTT). This variant has not, to our knowledge, been published in the literature as pathogenic or benign. CHEK2 Pro152Leu was not observed in large population cohorts (NHLBI Exome Sequencing Project, The 1000 Genomes Consortium 2015, Lek 2016). Since Proline and Leucine differ in some properties, this is considered a semi-conservative amino acid substitution. CHEK2 Pro152Leu occurs at a position that is conserved across species and is located in FHA domain (Roeb 2012, Desrichard 2011). In silico analyses predict that this variant is probably damaging to protein structure and function. Based on currently available evidence, it is unclear whether CHEK2 Pro152Leu is a pathogenic or benign variant. We consider it to be a variant of uncertain significance.

NM_007194.4(CHEK2):c.455C>T (p.Pro152Leu)

Gene: CHEK2 (checkpoint kinase 2; minus strand). Cytogenetic location: 22q12.1.
Variant type: single nucleotide variant.
Coding change: c.455C>T on transcript NM_007194.4 (MANE Select); coding-DNA position 455, C replaced by T.
Protein change: p.Pro152Leu; replaces proline 152 with leucine.
Molecular consequence: missense variant. On other transcripts: 5 prime UTR variant (2), intron variant (1).
Genome position (GRCh38, 1-based): chr22:28,725,114, G>A on the plus strand (C>T on the coding strand, the complement: CHEK2 is on the minus strand). VCF-style: chr22-28725114-G-A. GRCh37 (hg19) VCF-style: chr22-29121102-G-A.
Other names: c.584C>T, p.Pro195Leu (NM_001005735.3, NM_001438294.1); c.-323C>T (NM_001257387.3); c.-209C>T (NM_001437942.1); c.548C>T, p.Pro183Leu (NM_001438293.1, NM_001438295.1); c.455C>T, p.Pro152Leu (NM_145862.3); c.444+129C>T (NM_001349956.3); short protein forms P152L, P195L, P183L.
Identifiers: ClinVar variation 449881 (VCV000449881.14), dbSNP rs1359910629, ClinGen allele CA411107726.
Genomic context (GRCh38, chr22:28,725,114, plus strand): 5'-GTATTTACAAAGGTTCCATTGCCACTGTGATCTTCTATGTATGCAATGTAAGAGTTTTTA[G>A]GACCCACTTCCTAAAATAGAGAACATTTTGTTTCAGACTTTGAATAGCAGAGATTTATAG-3'
Protein context (NP_009125.1, residues 142-162): KHFRIFREVG[Pro152Leu]KNSYIAYIED